The following is an entry in ClinVar:

ClinVar aggregate classification (germline): Likely pathogenic (1 of 4 stars; one submission).

Submission:

GeneDx
Classification: Likely pathogenic. Last evaluated: 2024-02-02. Review status: criteria provided, single submitter. Criteria: GeneDx Variant Classification Process June 2021. Collection method: clinical testing. Allele origin: germline. Affected: yes.
Comment: Not observed at significant frequency in large population cohorts (gnomAD); In silico analysis supports that this missense variant has a deleterious effect on protein structure/function; This variant is associated with the following publications: (PMID: Sangmi2014[Article], 24578717)

NM_017780.4(CHD7):c.3896T>C (p.Leu1299Pro)

Gene: CHD7 (chromodomain helicase DNA binding protein 7; plus strand). Cytogenetic location: 8q12.2.
Variant type: single nucleotide variant.
Coding change: c.3896T>C on transcript NM_017780.4 (MANE Select); coding-DNA position 3896, T replaced by C.
Protein change: p.Leu1299Pro; replaces leucine 1299 with proline.
Molecular consequence: missense variant. On other transcripts: intron variant (1).
Genome position (GRCh38, 1-based): chr8:60,836,190, T>C. VCF-style: chr8-60836190-T-C. GRCh37 (hg19) VCF-style: chr8-61748749-T-C.
Other names: c.1717-26039T>C (NM_001316690.1); short protein forms L1299P.
Identifiers: ClinVar variation 3338835 (VCV003338835.1).